The following is an entry in ClinVar:

ClinVar aggregate classification (germline): Pathogenic. Review status: criteria provided, multiple submitters, no conflicts (2 of 4 stars). 2 submissions from 2 submitters: Pathogenic (2). Last evaluated 2024-01-04.

Conditions:
Hereditary cancer-predisposing syndrome. Also called: Hereditary Cancer Syndrome; Hereditary neoplastic syndrome; Neoplastic Syndromes, Hereditary; Tumor predisposition. Identifiers: Orphanet 140162, MedGen C0027672, MeSH D009386, MONDO:0015356.
Breast-ovarian cancer, familial, susceptibility to, 4. Identifiers: Orphanet 145, MedGen C3280345, MONDO:0013669, OMIM 614291.

Submissions (2):

Myriad Genetics, Inc.
Classification: Pathogenic for Breast-ovarian cancer, familial, susceptibility to, 4. Last evaluated: 2024-01-04. Review status: criteria provided, single submitter. Criteria: Myriad Autosomal Dominant, Autosomal Recessive and X-Linked Classification Criteria (2023). Collection method: clinical testing. Allele origin: unknown.
Comment: This variant is considered pathogenic. This variant creates a frameshift predicted to result in premature protein truncation.

Ambry Genetics
Classification: Pathogenic for Hereditary cancer-predisposing syndrome. Last evaluated: 2021-07-12. Review status: criteria provided, single submitter. Criteria: Ambry Variant Classification Scheme 2023. Collection method: clinical testing. Allele origin: germline.
Comment: The c.433delC pathogenic mutation, located in coding exon 5 of the RAD51D gene, results from a deletion of one nucleotide at nucleotide position 433, causing a translational frameshift with a predicted alternate stop codon (p.R145Afs*49). This variant is considered to be rare based on population cohorts in the Genome Aggregation Database (gnomAD). This alteration is expected to result in loss of function by premature protein truncation or nonsense-mediated mRNA decay. As such, this alteration is interpreted as a disease-causing mutation.

NM_002878.4(RAD51D):c.433del (p.Arg145fs)

Genes: RAD51D (RAD51 paralog D; minus strand), RAD51L3-RFFL (RAD51L3-RFFL readthrough; minus strand). Cytogenetic location: 17q12.
Variant type: Deletion.
Coding change: c.433del on transcript NM_002878.4 (MANE Select); coding-DNA position 433, one base deleted (C; older notation c.433delC).
Protein change: p.Arg145fs; shifts the reading frame from arginine 145.
Molecular consequence: frameshift variant. On other transcripts: non-coding transcript variant (1), intron variant (1).
Genome position (GRCh38, 1-based): chr17:35,107,035, G deleted on the plus strand (C on the coding strand, the reverse complement: RAD51D is on the minus strand); the first of 3 consecutive G bases (chr17:35,107,035-35,107,037); deleting any one gives the same sequence. VCF-style (leftmost placement, unchanged base first): chr17-35107034-CG-C. GRCh37 (hg19) VCF-style: chr17-33434053-CG-C.
Other names: c.493del, p.Arg165fs (NM_001142571.2); c.145-554del (NM_133629.3); c.433delC (NM_002878.3); short protein forms R145fs, R165fs.
Identifiers: ClinVar variation 1739847 (VCV001739847.2), dbSNP rs2509137893, ClinGen allele CA2580093497.